The following is an entry in ClinVar:

NM_018723.4(RBFOX1):c.622+4A>G

Gene: RBFOX1 (RNA binding fox-1 homolog 1; plus strand). Cytogenetic location: 16p13.3.
Variant type: single nucleotide variant.
Coding change: c.622+4A>G on transcript NM_018723.4 (MANE Select); 4 bases into the intron after coding-DNA position 622, A replaced by G.
Molecular consequence: intron variant.
Genome position (GRCh38, 1-based): chr16:7,597,435, A>G. VCF-style: chr16-7597435-A-G. GRCh37 (hg19) VCF-style: chr16-7647437-A-G.
Other names: c.1219+4A>G (NM_001415887.1, NM_001415888.1); c.622+4A>G (NM_001364800.2, NM_001142333.2, NM_001142334.2); c.751+4A>G (NM_001415895.1, NM_001415891.1, NM_001415907.1 and 3 more transcripts); c.658+4A>G (NM_001415908.1, NM_001415914.1); c.730+4A>G (NM_001415889.1, NM_001415898.1, NM_001415894.1 and 3 more transcripts); c.637+4A>G (NM_001415910.1, NM_001415912.1); c.529+4A>G (NM_001415916.1); c.697+4A>G (NM_001415890.1, NM_001415901.1, NM_001415899.1 and 3 more transcripts); and 3 more.
Identifiers: ClinVar variation 2700260 (VCV002700260.3), dbSNP rs761874772, ClinGen allele CA7891568.
Genomic context (GRCh38, chr16:7,597,435, plus strand): 5'-ATAATGCCACAGCACGTGTAATGACAAATAAAAAGACCGTCAACCCTTATACAAATGGTA[A>G]GTAGAGATTGGCCTTTTACAAGAAATTCTCTCTACTTCTGACTCTTTAAGTAATTTAACC-3'

ClinVar aggregate classification (germline): Uncertain significance (1 of 4 stars; one submission).

Conditions:
Idiopathic generalized epilepsy. Also called: Generalised epilepsy; EIG. Identifiers: MedGen C0270850, MONDO:0005579, OMIM 600669.

Allele frequency attached by ClinVar (database versions not stated): gnomAD exomes below 0.00001; ExAC 0.00001.
gnomAD v4.1: 3 of 1,600,358 alleles (0.00019%); highest among the groups gnomAD compares: Non-Finnish European, 0.00017%; no homozygotes.

Submission:

Labcorp Genetics (formerly Invitae), Labcorp
Classification: Uncertain significance for Idiopathic generalized epilepsy. Last evaluated: 2023-11-17. Review status: criteria provided, single submitter. Criteria: Invitae Variant Classification Sherloc (09022015). Collection method: clinical testing. Allele origin: germline.
Comment: This sequence change falls in intron 6 of the RBFOX1 gene. It does not directly change the encoded amino acid sequence of the RBFOX1 protein. It affects a nucleotide within the consensus splice site. The frequency data for this variant in the population databases is considered unreliable, as metrics indicate poor data quality at this position in the gnomAD database. This variant has not been reported in the literature in individuals affected with RBFOX1-related conditions. Variants that disrupt the consensus splice site are a relatively common cause of aberrant splicing (PMID: 17576681, 9536098). Algorithms developed to predict the effect of sequence changes on RNA splicing suggest that this variant may disrupt the consensus splice site. In summary, the available evidence is currently insufficient to determine the role of this variant in disease. Therefore, it has been classified as a Variant of Uncertain Significance.

Literature cited by the submitters: PubMed 17576681; PubMed 9536098.